The following is an entry in ClinVar:

NM_006208.3(ENPP1):c.313+9_313+11del

Gene: ENPP1 (ectonucleotide pyrophosphatase/phosphodiesterase 1; plus strand). Cytogenetic location: 6q23.2.
Variant type: Deletion.
Coding change: c.313+9_313+11del on transcript NM_006208.3 (MANE Select); bases 9 to 11 of the intron after coding-DNA position 313, 3 bases deleted (GTG; older notation c.313+9_313+11delGTG).
Molecular consequence: intron variant.
Genome position (GRCh38, 1-based): chr6:131,847,857-131,847,859, GTG deleted; deleting any 3 consecutive bases within chr6:131,847,856-131,847,859 gives the same sequence; the c. name uses the placement nearest the transcript's 3' end. VCF-style (leftmost placement, unchanged base first): chr6-131847855-AGGT-A. GRCh37 (hg19) VCF-style: chr6-132168995-AGGT-A.
Other names: p.?.
Identifiers: ClinVar variation 1544455 (VCV001544455.10), dbSNP rs779101536, ClinGen allele CA4001830.

ClinVar aggregate classification (germline): Likely benign. Review status: criteria provided, multiple submitters, no conflicts (2 of 4 stars). 3 submissions from 3 submitters: Likely benign (3). Last evaluated 2025-09-05.

Submissions (3):

Mayo Clinic Laboratories, Mayo Clinic
Classification: Likely benign. Last evaluated: 2025-09-05. Review status: criteria provided, single submitter. Criteria: ACMG Guidelines, 2015. Collection method: clinical testing. Allele origin: germline. Observed: 1 variant allele.
Comment: BP4, BP7

Blueprint Genetics
Classification: Likely benign. Last evaluated: 2024-11-26. Review status: criteria provided, single submitter. Criteria: ACMG Guidelines, 2015. Collection method: clinical testing. Allele origin: germline.

Labcorp Genetics (formerly Invitae), Labcorp
Classification: Likely benign. Last evaluated: 2023-10-04. Review status: criteria provided, single submitter. Criteria: Invitae Variant Classification Sherloc (09022015). Collection method: clinical testing. Allele origin: germline.